The following is an entry in ClinVar:

ClinVar aggregate classification (germline): Uncertain significance (1 of 4 stars; one submission).

Conditions:
Cardiovascular phenotype. Identifiers: MedGen CN230736.

gnomAD v4.1: 1 of 1,613,990 alleles (0.000062%); highest among the groups gnomAD compares: Non-Finnish European, 0.000085%; no homozygotes.

Submission:

Ambry Genetics
Classification: Uncertain significance for Cardiovascular phenotype. Last evaluated: 2025-06-23. Review status: criteria provided, single submitter. Criteria: Ambry Variant Classification Scheme 2023. Collection method: clinical testing. Allele origin: germline.
Comment: The p.D683V variant (also known as c.2048A>T), located in coding exon 15 of the TRPM4 gene, results from an A to T substitution at nucleotide position 2048. The aspartic acid at codon 683 is replaced by valine, an amino acid with highly dissimilar properties. This amino acid position is conserved. In addition, this alteration is predicted to be tolerated by in silico analysis. Based on the available evidence, the clinical significance of this variant remains unclear.

NM_017636.4(TRPM4):c.2048A>T (p.Asp683Val)

Gene: TRPM4 (transient receptor potential cation channel subfamily M member 4; plus strand). Cytogenetic location: 19q13.33.
Variant type: single nucleotide variant.
Coding change: c.2048A>T on transcript NM_017636.4 (MANE Select); coding-DNA position 2048, A replaced by T.
Protein change: p.Asp683Val; replaces aspartic acid 683 with valine.
Molecular consequence: missense variant.
Genome position (GRCh38, 1-based): chr19:49,190,236, A>T. VCF-style: chr19-49190236-A-T. GRCh37 (hg19) VCF-style: chr19-49693493-A-T.
Other names: c.2048A>T, p.Asp683Val (NM_001195227.2); c.1703A>T, p.Asp568Val (NM_001321281.2); c.440A>T, p.Asp147Val (NM_001321282.2); c.1526A>T, p.Asp509Val (NM_001321283.2); c.986A>T, p.Asp329Val (NM_001321285.2); short protein forms D509V, D568V, D147V, D329V, D683V.
Identifiers: ClinVar variation 4191752 (VCV004191752.1).
Genomic context (GRCh38, chr19:49,190,236, plus strand): 5'-ATTTGGATCCTAATCCTTCCCACCCCCCACAGTCTCTGCTGACACAGAAGTGGTGGGGAG[A>T]TATGGCCAGCACTACACCCATCTGGGCCCTGGTTCTCGCCTTCTTTTGCCCTCCACTCAT-3'
Protein context (NP_060106.2, residues 673-693): QSLLTQKWWG[Asp683Val]MASTTPIWAL